The following is an entry in ClinVar:

NM_001110556.2(FLNA):c.1532G>A (p.Gly511Asp)

Gene: FLNA (filamin A; minus strand). Cytogenetic location: Xq28.
Variant type: single nucleotide variant.
Coding change: c.1532G>A on transcript NM_001110556.2 (MANE Select); coding-DNA position 1532, G replaced by A.
Protein change: p.Gly511Asp; replaces glycine 511 with aspartic acid.
Molecular consequence: missense variant.
Genome position (GRCh38, 1-based): chrX:154,365,384, C>T on the plus strand (G>A on the coding strand, the complement: FLNA is on the minus strand). VCF-style: chrX-154365384-C-T. GRCh37 (hg19) VCF-style: chrX-153593752-C-T.
Other names: c.1532G>A, p.Gly511Asp (NM_001456.4); short protein forms G511D.
Identifiers: ClinVar variation 3515886 (VCV003515886.1).

ClinVar aggregate classification (germline): Uncertain significance (1 of 4 stars; one submission).

Conditions:
Familial thoracic aortic aneurysm and aortic dissection (TAAD). Also called: Thoracic aortic aneurysms and dissections. Identifiers: Orphanet 91387, MedGen C4707243, MONDO:0019625.

Submission:

Ambry Genetics
Classification: Uncertain significance for Familial thoracic aortic aneurysm and aortic dissection. Last evaluated: 2024-09-27. Review status: criteria provided, single submitter. Criteria: Ambry Variant Classification Scheme 2023. Collection method: clinical testing. Allele origin: germline.
Comment: The p.G511D variant (also known as c.1532G>A), located in coding exon 9 of the FLNA gene, results from a G to A substitution at nucleotide position 1532. The glycine at codon 511 is replaced by aspartic acid, an amino acid with similar properties. This amino acid position is highly conserved in available vertebrate species. In addition, this alteration is predicted to be deleterious by in silico analysis. Based on the available evidence, the clinical significance of this variant remains unclear.